The following is an entry in ClinVar:

ClinVar aggregate classification (germline): Uncertain significance (1 of 4 stars; one submission).

gnomAD v4.1: 20 of 1,613,722 alleles (0.0012%); highest among the groups gnomAD compares: Non-Finnish European, 0.0017%; no homozygotes.

Submission:

Labcorp Genetics (formerly Invitae), Labcorp
Classification: Uncertain significance. Last evaluated: 2022-08-05. Review status: criteria provided, single submitter. Criteria: Invitae Variant Classification Sherloc (09022015). Collection method: clinical testing. Allele origin: germline.
Comment: This variant is present in population databases (rs773308978, gnomAD 0.002%). In summary, the available evidence is currently insufficient to determine the role of this variant in disease. Therefore, it has been classified as a Variant of Uncertain Significance. Advanced modeling of protein sequence and biophysical properties (such as structural, functional, and spatial information, amino acid conservation, physicochemical variation, residue mobility, and thermodynamic stability) performed at Invitae indicates that this missense variant is not expected to disrupt CNGB1 protein function. This variant has not been reported in the literature in individuals affected with CNGB1-related conditions. This sequence change replaces glutamic acid, which is acidic and polar, with glutamine, which is neutral and polar, at codon 1219 of the CNGB1 protein (p.Glu1219Gln).

NM_001297.5(CNGB1):c.3655G>C (p.Glu1219Gln)

Gene: CNGB1 (cyclic nucleotide gated channel subunit beta 1; minus strand). Cytogenetic location: 16q21.
Variant type: single nucleotide variant.
Coding change: c.3655G>C on transcript NM_001297.5 (MANE Select); coding-DNA position 3655, G replaced by C.
Protein change: p.Glu1219Gln; replaces glutamic acid 1219 with glutamine.
Molecular consequence: missense variant.
Genome position (GRCh38, 1-based): chr16:57,884,265, C>G on the plus strand (G>C on the coding strand, the complement: CNGB1 is on the minus strand). VCF-style: chr16-57884265-C-G. GRCh37 (hg19) VCF-style: chr16-57918169-C-G.
Other names: c.3637G>C, p.Glu1213Gln (NM_001286130.2); short protein forms E1213Q, E1219Q.
Identifiers: ClinVar variation 1715098 (VCV001715098.3), dbSNP rs773308978, ClinGen allele CA8082486.